The following is an entry in ClinVar:

ClinVar aggregate classification (germline): Uncertain significance (1 of 4 stars; one submission).

Allele frequency attached by ClinVar (database versions not stated): gnomAD 0.00003 and 0.00004; ExAC 0.00008.
gnomAD v4.1: 53 of 1,613,666 alleles (0.0033%); highest among the groups gnomAD compares: South Asian, 0.03%; no homozygotes.

Submission:

Labcorp Genetics (formerly Invitae), Labcorp
Classification: Uncertain significance. Last evaluated: 2023-11-28. Review status: criteria provided, single submitter. Criteria: Invitae Variant Classification Sherloc (09022015). Collection method: clinical testing. Allele origin: germline.
Comment: This sequence change replaces arginine, which is basic and polar, with cysteine, which is neutral and slightly polar, at codon 1450 of the MYO5B protein (p.Arg1450Cys). This variant is present in population databases (rs748156643, gnomAD 0.03%). This variant has not been reported in the literature in individuals affected with MYO5B-related conditions. ClinVar contains an entry for this variant (Variation ID: 1492891). Advanced modeling of protein sequence and biophysical properties (such as structural, functional, and spatial information, amino acid conservation, physicochemical variation, residue mobility, and thermodynamic stability) performed at Invitae indicates that this missense variant is not expected to disrupt MYO5B protein function with a negative predictive value of 80%. In summary, the available evidence is currently insufficient to determine the role of this variant in disease. Therefore, it has been classified as a Variant of Uncertain Significance.

NM_001080467.3(MYO5B):c.4348C>T (p.Arg1450Cys)

Genes: MYO5B (myosin VB; minus strand), SNHG22 (small nucleolar RNA host gene 22; plus strand). Cytogenetic location: 18q21.1.
Variant type: single nucleotide variant.
Coding change: c.4348C>T on transcript NM_001080467.3 (MANE Select); coding-DNA position 4348, C replaced by T.
Protein change: p.Arg1450Cys; replaces arginine 1450 with cysteine.
Molecular consequence: missense variant.
Genome position (GRCh38, 1-based): chr18:49,847,257, G>A on the plus strand (C>T on the coding strand, the complement: MYO5B is on the minus strand). VCF-style: chr18-49847257-G-A. GRCh37 (hg19) VCF-style: chr18-47373627-G-A.
Other names: short protein forms R1450C.
Identifiers: ClinVar variation 1492891 (VCV001492891.8), dbSNP rs748156643, ClinGen allele CA8960386.
Genomic context (GRCh38, chr18:49,847,257, plus strand): 5'-GCATGCCCTGGAAATCCTTCTCTTTCCGCTGGACCGTGACCTGCCTGTTGAGCTCATGGC[G>A]CTTCCTCTCACTCTGGGCCAATGCCTGGGCAGCTGAGCAGGAAAGAAAACAGGAAGCATG-3'
Protein context (NP_001073936.1, residues 1440-1460): AQALAQSERK[Arg1450Cys]HELNRQVTVQ